The following is an entry in ClinVar:

ClinVar aggregate classification (germline): Conflicting classifications of pathogenicity. Review status: criteria provided, conflicting classifications (1 of 4 stars). 4 submissions from 4 submitters: Uncertain significance (1); Likely benign (3). Last evaluated 2025-11-03.

Conditions:
Perlman syndrome (PRLMNS). Identifiers: Orphanet 2849, MedGen C0796113, MONDO:0009965, OMIM 267000.

Allele frequency attached by ClinVar (database versions not stated): TOPMed 0.00010; ExAC 0.00011; gnomAD 0.00011; gnomAD exomes 0.00014.
gnomAD v4.1: 117 of 1,614,078 alleles (0.0072%); highest among the groups gnomAD compares: East Asian, 0.029%; no homozygotes.

Submissions (4):

Labcorp Genetics (formerly Invitae), Labcorp
Classification: Likely benign for Perlman syndrome. Last evaluated: 2025-11-03. Review status: criteria provided, single submitter. Criteria: Invitae Variant Classification Sherloc (09022015). Collection method: clinical testing. Allele origin: germline.

Blueprint Genetics
Classification: Likely benign. Last evaluated: 2024-04-29. Review status: criteria provided, single submitter. Criteria: ACMG Guidelines, 2015. Collection method: clinical testing. Allele origin: germline.

CeGaT Center for Human Genetics Tuebingen
Classification: Likely benign. Last evaluated: 2023-10-01. Review status: criteria provided, single submitter. Criteria: CeGaT Center For Human Genetics Tuebingen Variant Classification Criteria Version 2. Collection method: clinical testing. Allele origin: germline. Affected: yes. Observed: 1 variant allele.
Comment: DIS3L2: BP4, BP7

Illumina Laboratory Services, Illumina
Classification: Uncertain significance for Perlman syndrome. Last evaluated: 2018-01-13. Review status: criteria provided, single submitter. Criteria: ICSL Variant Classification Criteria 13 December 2019. Collection method: clinical testing. Allele origin: germline.

NM_152383.5(DIS3L2):c.1599C>T (p.His533=)

Gene: DIS3L2 (DIS3 like 3'-5' exoribonuclease 2; plus strand). Cytogenetic location: 2q37.1.
Variant type: single nucleotide variant.
Coding change: c.1599C>T on transcript NM_152383.5 (MANE Select); coding-DNA position 1599, C replaced by T.
Protein change: p.His533=; no amino-acid change (histidine 533 retained).
Molecular consequence: synonymous variant. On other transcripts: non-coding transcript variant (2), intron variant (1).
Genome position (GRCh38, 1-based): chr2:232,263,380, C>T. VCF-style: chr2-232263380-C-T. GRCh37 (hg19) VCF-style: chr2-233128090-C-T.
Other names: c.1581+18C>T (NM_001257281.2).
Identifiers: ClinVar variation 334939 (VCV000334939.42), dbSNP rs760229466, ClinGen allele CA2164202.